The following is an entry in ClinVar:

ClinVar aggregate classification (germline): Uncertain significance (1 of 4 stars; one submission).

Conditions:
Pyogenic arthritis-pyoderma gangrenosum-acne syndrome (PAPA). Also called: FAMILIAL RECURRENT ARTHRITIS; PAPA SYNDROME. Identifiers: Orphanet 69126, MedGen C1858361, MONDO:0011462, OMIM 604416.

gnomAD v4.1: 4 of 1,564,964 alleles (0.00026%); highest among the groups gnomAD compares: Non-Finnish European, 0.00035%; no homozygotes.

Submission:

Labcorp Genetics (formerly Invitae), Labcorp
Classification: Uncertain significance for Pyogenic arthritis-pyoderma gangrenosum-acne syndrome. Last evaluated: 2024-07-02. Review status: criteria provided, single submitter. Criteria: Invitae Variant Classification Sherloc (09022015). Collection method: clinical testing. Allele origin: germline.
Comment: This sequence change replaces tyrosine, which is neutral and polar, with histidine, which is basic and polar, at codon 119 of the PSTPIP1 protein (p.Tyr119His). The frequency data for this variant in the population databases is considered unreliable, as metrics indicate poor data quality at this position in the gnomAD database. This variant has not been reported in the literature in individuals affected with PSTPIP1-related conditions. An algorithm developed to predict the effect of missense changes on protein structure and function (PolyPhen-2) suggests that this variant is likely to be tolerated. In summary, the available evidence is currently insufficient to determine the role of this variant in disease. Therefore, it has been classified as a Variant of Uncertain Significance.

NM_003978.5(PSTPIP1):c.355T>C (p.Tyr119His)

Gene: PSTPIP1 (proline-serine-threonine phosphatase interacting protein 1; plus strand). Cytogenetic location: 15q24.3.
Variant type: single nucleotide variant.
Coding change: c.355T>C on transcript NM_003978.5 (MANE Select); coding-DNA position 355, T replaced by C.
Protein change: p.Tyr119His; replaces tyrosine 119 with histidine.
Molecular consequence: missense variant. On other transcripts: non-coding transcript variant (1).
Genome position (GRCh38, 1-based): chr15:77,027,852, T>C. VCF-style: chr15-77027852-T-C. GRCh37 (hg19) VCF-style: chr15-77320193-T-C.
Other names: c.355T>C, p.Tyr119His (NM_001321135.2, NM_001411086.1); c.328T>C, p.Tyr110His (NM_001321136.2); c.550T>C, p.Tyr184His (NM_001321137.1); short protein forms Y110H, Y119H, Y184H.
Identifiers: ClinVar variation 3619526 (VCV003619526.2).
Genomic context (GRCh38, chr15:77,027,852, plus strand): 5'-TGGCCTAGGGGAGCCTCCCGAGGCCGCGGCCCTCGGCTCAGAACCTCGTGTCCCCTGCAG[T>C]ATGAGGCCGTCATGGACCGGGTCCAGAAGAGCAAGCTGTCGCTCTACAAGAAGGCCATGG-3'
Protein context (NP_003969.2, residues 109-129): RERQKEQRKK[Tyr119His]EAVMDRVQKS